The following is an entry in ClinVar:

ClinVar aggregate classification (germline): Uncertain significance (1 of 4 stars; one submission).

Conditions:
Dilated cardiomyopathy 1J (CMD1J). Also called: CARDIOMYOPATHY, DILATED, WITH SENSORINEURAL HEARING LOSS, AUTOSOMAL DOMINANT. Identifiers: Orphanet 217622, MedGen C1854368, MONDO:0011541, OMIM 605362.

Submission:

Labcorp Genetics (formerly Invitae), Labcorp
Classification: Uncertain significance for Dilated cardiomyopathy 1J. Last evaluated: 2025-12-29. Review status: criteria provided, single submitter. Criteria: Invitae Variant Classification Sherloc (09022015). Collection method: clinical testing. Allele origin: germline.
Comment: This sequence change replaces serine, which is neutral and polar, with asparagine, which is neutral and polar, at codon 128 of the EYA4 protein (p.Ser128Asn). This variant is not present in population databases (gnomAD no frequency). This variant has not been reported in the literature in individuals affected with EYA4-related conditions. An algorithm developed to predict the effect of missense changes on protein structure and function (PolyPhen-2) suggests that this variant is likely to be disruptive. In summary, the available evidence is currently insufficient to determine the role of this variant in disease. Therefore, it has been classified as a Variant of Uncertain Significance.

NM_004100.5(EYA4):c.383G>A (p.Ser128Asn)

Gene: EYA4 (EYA transcriptional coactivator and phosphatase 4; plus strand). Cytogenetic location: 6q23.2.
Variant type: single nucleotide variant.
Coding change: c.383G>A on transcript NM_004100.5 (MANE Select); coding-DNA position 383, G replaced by A.
Protein change: p.Ser128Asn; replaces serine 128 with asparagine.
Molecular consequence: missense variant.
Genome position (GRCh38, 1-based): chr6:133,461,126, G>A. VCF-style: chr6-133461126-G-A. GRCh37 (hg19) VCF-style: chr6-133782264-G-A.
Other names: c.221G>A, p.Ser74Asn (NM_001301012.2, NM_001370459.1); c.383G>A, p.Ser128Asn (NM_001301013.2, NM_172105.4); c.314G>A, p.Ser105Asn (NM_001370458.1, NM_172103.4); short protein forms S74N, S128N, S105N.
Identifiers: ClinVar variation 4734334 (VCV004734334.1).